The following is an entry in ClinVar:

NM_020989.4(CRYGC):c.503G>A (p.Arg168Gln)

Genes: CRYGC (crystallin gamma C; minus strand), LOC100507443 (uncharacterized LOC100507443; plus strand). Cytogenetic location: 2q33.3.
Variant type: single nucleotide variant.
Coding change: c.503G>A on transcript NM_020989.4 (MANE Select); coding-DNA position 503, G replaced by A.
Protein change: p.Arg168Gln; replaces arginine 168 with glutamine.
Molecular consequence: missense variant.
Genome position (GRCh38, 1-based): chr2:208,128,225, C>T on the plus strand (G>A on the coding strand, the complement: CRYGC is on the minus strand). VCF-style: chr2-208128225-C-T. GRCh37 (hg19) VCF-style: chr2-208992949-C-T.
Other names: short protein forms R168Q.
Identifiers: ClinVar variation 3351293 (VCV003351293.1).

ClinVar aggregate classification (germline): Uncertain significance (0 of 4 stars; one submission).

Conditions:
CRYGC-related disorder. Also called: CRYGC-related condition.

Submission:

PreventionGenetics, part of Exact Sciences
Classification: Uncertain significance for CRYGC-related condition. Last evaluated: 2024-09-11. Review status: no assertion criteria provided. Collection method: clinical testing. Allele origin: germline.
Comment: The CRYGC c.503G>A variant is predicted to result in the amino acid substitution p.Arg168Gln. To our knowledge, this variant has not been reported in the literature. This variant is reported in 0.026% of alleles in individuals of South Asian descent in gnomAD, which is higher than expected for a disease-causing variant. A different variant impacting the same amino acid (p.Arg168Trp) has been documented in a family with cataracts (Family C135 in Santhiya et al. 2002. PubMed ID: 12011157). Although we suspect that the c.503G>A (p.Arg168Gln) variant is likely benign, at this time, the clinical significance is uncertain due to the absence of conclusive functional and genetic evidence.